The following is an entry in ClinVar:

ClinVar aggregate classification (germline): Uncertain significance. Review status: criteria provided, multiple submitters, no conflicts (2 of 4 stars). 3 submissions from 3 submitters: Uncertain significance (3). Last evaluated 2025-10-18.

Allele frequency attached by ClinVar (database versions not stated): TOPMed 0.00028; ESP Exome Variant Server 0.00031; ExAC 0.00033; gnomAD 0.00033; 1000 Genomes Project 30x 0.00047; 1000 Genomes Project 0.00060.
gnomAD v4.1: 1,034 of 1,614,066 alleles (0.064%); highest among the groups gnomAD compares: Non-Finnish European, 0.083%; 2 homozygotes.

Submissions (3):

Labcorp Genetics (formerly Invitae), Labcorp
Classification: Uncertain significance. Last evaluated: 2025-10-18. Review status: criteria provided, single submitter. Criteria: Invitae Variant Classification Sherloc (09022015). Collection method: clinical testing. Allele origin: germline.
Comment: This sequence change replaces arginine, which is basic and polar, with histidine, which is basic and polar, at codon 3607 of the VPS13C protein (p.Arg3607His). This variant is present in population databases (rs116228685, gnomAD 0.05%), including at least one homozygous and/or hemizygous individual. This variant has not been reported in the literature in individuals affected with VPS13C-related conditions. ClinVar contains an entry for this variant (Variation ID: 2054788). Invitae Evidence Modeling of protein sequence and biophysical properties (such as structural, functional, and spatial information, amino acid conservation, physicochemical variation, residue mobility, and thermodynamic stability) indicates that this missense variant is expected to disrupt VPS13C protein function with a positive predictive value of 80%. In summary, the available evidence is currently insufficient to determine the role of this variant in disease. Therefore, it has been classified as a Variant of Uncertain Significance.

Mayo Clinic Laboratories, Mayo Clinic
Classification: Uncertain significance. Last evaluated: 2025-06-23. Review status: criteria provided, single submitter. Criteria: ACMG Guidelines, 2015. Collection method: clinical testing. Allele origin: germline. Observed: 2 variant alleles.

CeGaT Center for Human Genetics Tuebingen
Classification: Uncertain significance. Last evaluated: 2023-06-01. Review status: criteria provided, single submitter. Criteria: CeGaT Center For Human Genetics Tuebingen Variant Classification Criteria Version 2. Collection method: clinical testing. Allele origin: germline. Affected: yes. Observed: 1 variant allele.

Literature cited by the submitters: PubMed 34602499 (cited by Mayo Clinic Laboratories, Mayo Clinic).

NM_020821.3(VPS13C):c.10820G>A (p.Arg3607His)

Gene: VPS13C (vacuolar protein sorting 13 homolog C; minus strand). Cytogenetic location: 15q22.2.
Variant type: single nucleotide variant.
Coding change: c.10820G>A on transcript NM_020821.3 (MANE Select); coding-DNA position 10820, G replaced by A.
Protein change: p.Arg3607His; replaces arginine 3607 with histidine.
Molecular consequence: missense variant.
Genome position (GRCh38, 1-based): chr15:61,868,702, C>T on the plus strand (G>A on the coding strand, the complement: VPS13C is on the minus strand). VCF-style: chr15-61868702-C-T. GRCh37 (hg19) VCF-style: chr15-62160901-C-T.
Other names: p.Arg3607His; c.10820G>A, p.Arg3607His (NM_001018088.3); c.10691G>A, p.Arg3564His (NM_017684.5, NM_018080.4); short protein forms R3607H, R3564H.
Identifiers: ClinVar variation 2054788 (VCV002054788.31), dbSNP rs116228685, ClinGen allele CA7594217.